The following is an entry in ClinVar:

ClinVar aggregate classification (germline): Likely benign (1 of 4 stars; one submission).

gnomAD v4.1: 11 of 1,613,910 alleles (0.00068%); highest among the groups gnomAD compares: Admixed American, 0.0083%; no homozygotes.

Submission:

CeGaT Center for Human Genetics Tuebingen
Classification: Likely benign. Last evaluated: 2025-09-01. Review status: criteria provided, single submitter. Criteria: CeGaT Center For Human Genetics Tuebingen Variant Classification Criteria Version 2. Collection method: clinical testing. Allele origin: germline. Affected: yes. Observed: 1 variant allele.
Comment: KMT2C: BP4, BP7

NM_170606.3(KMT2C):c.423A>G (p.Glu141=)

Gene: KMT2C (lysine methyltransferase 2C; minus strand). Cytogenetic location: 7q36.1.
Variant type: single nucleotide variant.
Coding change: c.423A>G on transcript NM_170606.3 (MANE Select); coding-DNA position 423, A replaced by G.
Protein change: p.Glu141=; no amino-acid change (glutamic acid 141 retained).
Molecular consequence: synonymous variant.
Genome position (GRCh38, 1-based): chr7:152,315,305, T>C on the plus strand (A>G on the coding strand, the complement: KMT2C is on the minus strand). VCF-style: chr7-152315305-T-C. GRCh37 (hg19) VCF-style: chr7-152012390-T-C.
Identifiers: ClinVar variation 4280868 (VCV004280868.7).